The following is an entry in ClinVar:

ClinVar aggregate classification (germline): Uncertain significance (1 of 4 stars; one submission).

Conditions:
Ehlers-Danlos syndrome, musculocontractural type (EDSMC). Also called: ADDUCTED THUMB-CLUBFOOT SYNDROME; ARTHROGRYPOSIS, DISTAL, WITH PECULIAR FACIES AND HYDRONEPHROSIS; Adducted thumb, clubfoot, progressive joint and skin laxity syndrome; DUNDAR SYNDROME. Identifiers: Orphanet 2953, MedGen C1866294, MONDO:0011142.

Allele frequency attached by ClinVar (database versions not stated): gnomAD exomes 0.00001.
gnomAD v4.1: 7 of 1,612,310 alleles (0.00043%); highest among the groups gnomAD compares: Non-Finnish European, 0.00059%; no homozygotes.

Submission:

Labcorp Genetics (formerly Invitae), Labcorp
Classification: Uncertain significance for Ehlers-Danlos syndrome, musculocontractural type. Last evaluated: 2024-10-08. Review status: criteria provided, single submitter. Criteria: Invitae Variant Classification Sherloc (09022015). Collection method: clinical testing. Allele origin: germline.
Comment: This sequence change replaces aspartic acid, which is acidic and polar, with histidine, which is basic and polar, at codon 128 of the CHST14 protein (p.Asp128His). This variant is present in population databases (no rsID available, gnomAD 0.0009%). This variant has not been reported in the literature in individuals affected with CHST14-related conditions. ClinVar contains an entry for this variant (Variation ID: 2198008). An algorithm developed to predict the effect of missense changes on protein structure and function (PolyPhen-2) suggests that this variant is likely to be disruptive. In summary, the available evidence is currently insufficient to determine the role of this variant in disease. Therefore, it has been classified as a Variant of Uncertain Significance.

NM_130468.4(CHST14):c.382G>C (p.Asp128His)

Gene: CHST14 (carbohydrate sulfotransferase 14; plus strand). Cytogenetic location: 15q15.1.
Variant type: single nucleotide variant.
Coding change: c.382G>C on transcript NM_130468.4 (MANE Select); coding-DNA position 382, G replaced by C.
Protein change: p.Asp128His; replaces aspartic acid 128 with histidine.
Molecular consequence: missense variant.
Genome position (GRCh38, 1-based): chr15:40,471,595, G>C. VCF-style: chr15-40471595-G-C. GRCh37 (hg19) VCF-style: chr15-40763794-G-C.
Other names: short protein forms D128H.
Identifiers: ClinVar variation 2198008 (VCV002198008.4), dbSNP rs1180385930, ClinGen allele CA391765407.